The following is an entry in ClinVar:

NM_014003.4(DHX38):c.1379G>A (p.Arg460His)

Gene: DHX38 (DEAH-box helicase 38; plus strand). Cytogenetic location: 16q22.2.
Variant type: single nucleotide variant.
Coding change: c.1379G>A on transcript NM_014003.4 (MANE Select); coding-DNA position 1379, G replaced by A.
Protein change: p.Arg460His; replaces arginine 460 with histidine.
Molecular consequence: missense variant.
Genome position (GRCh38, 1-based): chr16:72,101,186, G>A. VCF-style: chr16-72101186-G-A. GRCh37 (hg19) VCF-style: chr16-72135085-G-A.
Other names: short protein forms R460H.
Identifiers: ClinVar variation 1054970 (VCV001054970.10), dbSNP rs779025493, ClinGen allele CA8160288.

ClinVar aggregate classification (germline): Uncertain significance. Review status: criteria provided, multiple submitters, no conflicts (2 of 4 stars). 2 submissions from 2 submitters: Uncertain significance (2). Last evaluated 2022-10-13.

Allele frequency attached by ClinVar (database versions not stated): TOPMed below 0.00001; gnomAD 0.00001; ExAC 0.00003; gnomAD exomes 0.00003.
gnomAD v4.1: 10 of 1,614,110 alleles (0.00062%); highest among the groups gnomAD compares: South Asian, 0.0044%; no homozygotes.

Submissions (2):

Labcorp Genetics (formerly Invitae), Labcorp
Classification: Uncertain significance. Last evaluated: 2022-10-13. Review status: criteria provided, single submitter. Criteria: Invitae Variant Classification Sherloc (09022015). Collection method: clinical testing. Allele origin: germline.
Comment: In summary, the available evidence is currently insufficient to determine the role of this variant in disease. Therefore, it has been classified as a Variant of Uncertain Significance. Advanced modeling of protein sequence and biophysical properties (such as structural, functional, and spatial information, amino acid conservation, physicochemical variation, residue mobility, and thermodynamic stability) performed at Invitae indicates that this missense variant is not expected to disrupt DHX38 protein function. ClinVar contains an entry for this variant (Variation ID: 1054970). This variant has not been reported in the literature in individuals affected with DHX38-related conditions. This variant is present in population databases (rs779025493, gnomAD 0.01%). This sequence change replaces arginine, which is basic and polar, with histidine, which is basic and polar, at codon 460 of the DHX38 protein (p.Arg460His).

Blueprint Genetics
Classification: Uncertain significance. Last evaluated: 2021-12-16. Review status: criteria provided, single submitter. Criteria: ACMG Guidelines, 2015. Collection method: clinical testing. Allele origin: germline.